The following is an entry in ClinVar:

ClinVar aggregate classification (germline): Conflicting classifications of pathogenicity. Review status: criteria provided, conflicting classifications (1 of 4 stars). 11 submissions from 8 submitters: Uncertain significance (1); Likely benign (9). 1 of the submissions does not count toward it. Last evaluated 2026-01-26.

Conditions:
Congenital myopathy 18. Also called: Myopathy, congenital, due to dihydropyridine receptor defect; DIHYDROPYRIDINE RECEPTOR CONGENITAL MYOPATHY; DHPR CONGENITAL MYOPATHY. Identifiers: MedGen C5830283, MONDO:0859514, OMIM 620246.
Thyrotoxic periodic paralysis, susceptibility to, 1 (TTPP1). Identifiers: Orphanet 79102, MedGen C2749982, MONDO:0008570, OMIM 188580.
Hypokalemic periodic paralysis, type 1. Also called: HypoPP; Hypokalemic Periodic Paralysis Type 1 (AD). Identifiers: Orphanet 681, MedGen C3714580, MONDO:0042979, OMIM 170400.
Malignant hyperthermia, susceptibility to, 5 (MHS5). Also called: CACNA1S-Related Malignant Hyperthermia Susceptibility. Identifiers: Orphanet 423, MedGen C1866077, MONDO:0011163, OMIM 601887.
CACNA1S-related disorder. Also called: CACNA1S-related condition.
Inborn genetic diseases. Identifiers: MedGen C0950123, MeSH D030342.

Allele frequency attached by ClinVar (database versions not stated): TOPMed 0.00008; gnomAD 0.00011 and 0.00016; 1000 Genomes Project 30x 0.00016; gnomAD exomes 0.00017 and 0.00027; ExAC 0.00029.
gnomAD v4.1: 273 of 1,614,110 alleles (0.017%); highest among the groups gnomAD compares: South Asian, 0.21%; 4 homozygotes.

Submissions (11):

Labcorp Genetics (formerly Invitae), Labcorp
Classification: Likely benign for Hypokalemic periodic paralysis, type 1; Malignant hyperthermia, susceptibility to, 5. Last evaluated: 2026-01-26. Review status: criteria provided, single submitter. Criteria: Invitae Variant Classification Sherloc (09022015). Collection method: clinical testing. Allele origin: germline.

Blueprint Genetics
Classification: Likely benign. Last evaluated: 2024-11-17. Review status: criteria provided, single submitter. Criteria: ACMG Guidelines, 2015. Collection method: clinical testing. Allele origin: germline.

Women's Health and Genetics/Laboratory Corporation of America, LabCorp
Classification: Likely benign. Last evaluated: 2024-06-21. Review status: criteria provided, single submitter. Criteria: LabCorp Variant Classification Summary - May 2015. Collection method: clinical testing. Allele origin: germline.

Ambry Genetics
Classification: Uncertain significance for Inborn genetic diseases. Last evaluated: 2024-05-14. Review status: criteria provided, single submitter. Criteria: Ambry Variant Classification Scheme 2023. Collection method: clinical testing. Allele origin: germline.

Genome-Nilou Lab
Classification: Likely benign for Malignant hyperthermia, susceptibility to, 5. Last evaluated: 2023-04-11. Review status: criteria provided, single submitter. Criteria: ACMG Guidelines, 2015. Collection method: clinical testing. Allele origin: germline. Affected: no.

Genome-Nilou Lab
Classification: Likely benign for Thyrotoxic periodic paralysis, susceptibility to, 1. Last evaluated: 2023-04-11. Review status: criteria provided, single submitter. Criteria: ACMG Guidelines, 2015. Collection method: clinical testing. Allele origin: germline. Affected: no.

Genome-Nilou Lab
Classification: Likely benign for Congenital myopathy 18. Last evaluated: 2023-04-11. Review status: criteria provided, single submitter. Criteria: ACMG Guidelines, 2015. Collection method: clinical testing. Allele origin: germline. Affected: no.

Genome-Nilou Lab
Classification: Likely benign for Hypokalemic periodic paralysis, type 1. Last evaluated: 2023-04-11. Review status: criteria provided, single submitter. Criteria: ACMG Guidelines, 2015. Collection method: clinical testing. Allele origin: germline. Affected: no.

Color Diagnostics, LLC DBA Color Health
Classification: Likely benign for Malignant hyperthermia, susceptibility to, 5. Last evaluated: 2022-11-06. Review status: criteria provided, single submitter. Criteria: ACMG Guidelines, 2015. Collection method: clinical testing. Allele origin: germline.

GeneDx
Classification: Likely benign. Last evaluated: 2021-05-27. Review status: criteria provided, single submitter. Criteria: GeneDx Variant Classification Process June 2021. Collection method: clinical testing. Allele origin: germline. Affected: yes.
Comment: In silico analysis supports that this missense variant does not alter protein structure/function; Has not been previously published as pathogenic or benign to our knowledge

PreventionGenetics, part of Exact Sciences
Classification: Likely benign for CACNA1S-related condition. Last evaluated: 2022-08-19. Review status: no assertion criteria provided. Collection method: clinical testing. Allele origin: germline. Not counted in ClinVar's aggregate classification.
Comment: This variant is classified as likely benign based on ACMG/AMP sequence variant interpretation guidelines (Richards et al. 2015 PMID: 25741868, with internal and published modifications).

NM_000069.3(CACNA1S):c.2296C>A (p.Leu766Met)

Gene: CACNA1S (calcium voltage-gated channel subunit alpha1 S; minus strand). Cytogenetic location: 1q32.1.
Variant type: single nucleotide variant.
Coding change: c.2296C>A on transcript NM_000069.3 (MANE Select); coding-DNA position 2296, C replaced by A.
Protein change: p.Leu766Met; replaces leucine 766 with methionine.
Molecular consequence: missense variant.
Genome position (GRCh38, 1-based): chr1:201,070,336, G>T on the plus strand (C>A on the coding strand, the complement: CACNA1S is on the minus strand). VCF-style: chr1-201070336-G-T. GRCh37 (hg19) VCF-style: chr1-201039464-G-T.
Other names: short protein forms L766M.
Identifiers: ClinVar variation 648722 (VCV000648722.19), dbSNP rs771865391, ClinGen allele CA078922.